The following is an entry in ClinVar:

ClinVar aggregate classification (germline): Uncertain significance (1 of 4 stars; one submission).

Submission:

GeneDx
Classification: Uncertain significance. Last evaluated: 2025-07-24. Review status: criteria provided, single submitter. Criteria: GeneDx Variant Classification Process June 2021. Collection method: clinical testing. Allele origin: germline. Affected: yes.
Comment: Not observed at significant frequency in large population cohorts (gnomAD); In silico analysis suggests that this missense variant does not alter protein structure/function; Has not been previously published as pathogenic or benign to our knowledge

NM_001394062.1(MACF1):c.13492G>T (p.Val4498Leu)

Gene: MACF1 (microtubule actin crosslinking factor 1; plus strand). Cytogenetic location: 1p34.3.
Variant type: single nucleotide variant.
Coding change: c.13492G>T on transcript NM_001394062.1 (MANE Select); coding-DNA position 13492, G replaced by T.
Protein change: p.Val4498Leu; replaces valine 4498 with leucine.
Molecular consequence: missense variant.
Genome position (GRCh38, 1-based): chr1:39,379,418, G>T. VCF-style: chr1-39379418-G-T. GRCh37 (hg19) VCF-style: chr1-39845090-G-T.
Other names: c.7306G>T, p.Val2436Leu (NM_012090.5); short protein forms V2436L, V4498L.
Identifiers: ClinVar variation 4687080 (VCV004687080.1).
Genomic context (GRCh38, chr1:39,379,418, plus strand): 5'-TCAAAAGAGGAAGTCCTGAAATCCATGGATGCCATGTCATCTCCAACCAAGACAGAAACA[G>T]TGAAAGCCCAAGCTGAATCTAACAAGGTACTGTGTTTACATTAGTTGCCTCCCAACACCA-3'
Protein context (NP_001380991.1, residues 4488-4508): AMSSPTKTET[Val4498Leu]KAQAESNKAF